The following is an entry in ClinVar:

NM_004304.5(ALK):c.3068T>G (p.Val1023Gly)

Gene: ALK (ALK receptor tyrosine kinase; minus strand). Cytogenetic location: 2p23.2.
Variant type: single nucleotide variant.
Coding change: c.3068T>G on transcript NM_004304.5 (MANE Select); coding-DNA position 3068, T replaced by G.
Protein change: p.Val1023Gly; replaces valine 1023 with glycine.
Molecular consequence: missense variant.
Genome position (GRCh38, 1-based): chr2:29,225,565, A>C on the plus strand (T>G on the coding strand, the complement: ALK is on the minus strand). VCF-style: chr2-29225565-A-C. GRCh37 (hg19) VCF-style: chr2-29448431-A-C.
Other names: short protein forms V1023G.
Identifiers: ClinVar variation 2706778 (VCV002706778.3), dbSNP rs2148176603, ClinGen allele CA346467103.

ClinVar aggregate classification (germline): Uncertain significance (1 of 4 stars; one submission).

Conditions:
Neuroblastoma, susceptibility to, 3. Also called: ALK-Related Neuroblastic Tumor Susceptibility. Identifiers: Orphanet 635, MedGen C2751681, MONDO:0013083, OMIM 613014.

Submission:

Labcorp Genetics (formerly Invitae), Labcorp
Classification: Uncertain significance for Neuroblastoma, susceptibility to, 3. Last evaluated: 2024-01-03. Review status: criteria provided, single submitter. Criteria: Invitae Variant Classification Sherloc (09022015). Collection method: clinical testing. Allele origin: germline.
Comment: This sequence change replaces valine, which is neutral and non-polar, with glycine, which is neutral and non-polar, at codon 1023 of the ALK protein (p.Val1023Gly). This variant is not present in population databases (gnomAD no frequency). This variant has not been reported in the literature in individuals affected with ALK-related conditions. An algorithm developed to predict the effect of missense changes on protein structure and function (PolyPhen-2) suggests that this variant is likely to be tolerated. In summary, the available evidence is currently insufficient to determine the role of this variant in disease. Therefore, it has been classified as a Variant of Uncertain Significance.